The following is an entry in ClinVar:

NM_000079.4(CHRNA1):c.749G>A (p.Gly250Asp)

Gene: CHRNA1 (cholinergic receptor nicotinic alpha 1 subunit; minus strand). Cytogenetic location: 2q31.1.
Variant type: single nucleotide variant.
Coding change: c.749G>A on transcript NM_000079.4 (MANE Select); coding-DNA position 749, G replaced by A.
Protein change: p.Gly250Asp; replaces glycine 250 with aspartic acid.
Molecular consequence: missense variant.
Genome position (GRCh38, 1-based): chr2:174,753,532, C>T on the plus strand (G>A on the coding strand, the complement: CHRNA1 is on the minus strand). VCF-style: chr2-174753532-C-T. GRCh37 (hg19) VCF-style: chr2-175618260-C-T.
Other names: c.824G>A, p.Gly275Asp (NM_001039523.3); short protein forms G250D, G275D.
Identifiers: ClinVar variation 581509 (VCV000581509.11), dbSNP rs1261346012, ClinGen allele CA349338795.

ClinVar aggregate classification (germline): Uncertain significance. Review status: criteria provided, multiple submitters, no conflicts (2 of 4 stars). 2 submissions from 2 submitters: Uncertain significance (2). Last evaluated 2025-05-02.

Conditions:
Lethal multiple pterygium syndrome (LMPS). Identifiers: Orphanet 33108, MedGen C1854678, MONDO:0009668, OMIM 253290.

Allele frequency attached by ClinVar (database versions not stated): gnomAD 0.00001; TOPMed 0.00003.
gnomAD v4.1: 2 of 1,613,998 alleles (0.00012%); highest among the groups gnomAD compares: African/African-American, 0.0027%; no homozygotes.

Submissions (2):

Revvity Omics, Revvity
Classification: Uncertain significance. Last evaluated: 2025-05-02. Review status: criteria provided, single submitter. Criteria: ACMG Guidelines, 2015. Collection method: clinical testing. Allele origin: germline.

Labcorp Genetics (formerly Invitae), Labcorp
Classification: Uncertain significance for Lethal multiple pterygium syndrome. Last evaluated: 2024-06-26. Review status: criteria provided, single submitter. Criteria: Invitae Variant Classification Sherloc (09022015). Collection method: clinical testing. Allele origin: germline.
Comment: This sequence change replaces glycine, which is neutral and non-polar, with aspartic acid, which is acidic and polar, at codon 250 of the CHRNA1 protein (p.Gly250Asp). This variant is present in population databases (no rsID available, gnomAD 0.007%). This variant has not been reported in the literature in individuals affected with CHRNA1-related conditions. ClinVar contains an entry for this variant (Variation ID: 581509). Advanced modeling of protein sequence and biophysical properties (such as structural, functional, and spatial information, amino acid conservation, physicochemical variation, residue mobility, and thermodynamic stability) performed at Invitae indicates that this missense variant is not expected to disrupt CHRNA1 protein function with a negative predictive value of 80%. In summary, the available evidence is currently insufficient to determine the role of this variant in disease. Therefore, it has been classified as a Variant of Uncertain Significance.